The following is an entry in ClinVar:

NM_014491.4(FOXP2):c.386T>C (p.Met129Thr)

Gene: FOXP2 (forkhead box P2; plus strand). Cytogenetic location: 7q31.1.
Variant type: single nucleotide variant.
Coding change: c.386T>C on transcript NM_014491.4 (MANE Select); coding-DNA position 386, T replaced by C.
Protein change: p.Met129Thr; replaces methionine 129 with threonine.
Molecular consequence: missense variant. On other transcripts: non-coding transcript variant (2).
Genome position (GRCh38, 1-based): chr7:114,628,667, T>C. VCF-style: chr7-114628667-T-C. GRCh37 (hg19) VCF-style: chr7-114268722-T-C.
Other names: c.386T>C, p.Met129Thr (NM_001172766.3, NM_148899.3, NM_148900.4); c.461T>C, p.Met154Thr (NM_001172767.2, NM_148898.4); short protein forms M129T, M154T.
Identifiers: ClinVar variation 3381581 (VCV003381581.1).

ClinVar aggregate classification (germline): Uncertain significance (1 of 4 stars; one submission).

Submission:

GeneDx
Classification: Uncertain significance. Last evaluated: 2024-05-20. Review status: criteria provided, single submitter. Criteria: GeneDx Variant Classification Process June 2021. Collection method: clinical testing. Allele origin: germline. Affected: yes.
Comment: Not observed at significant frequency in large population cohorts (gnomAD); In silico analysis supports that this missense variant has a deleterious effect on protein structure/function; Has not been previously published as pathogenic or benign to our knowledge